The following is an entry in ClinVar:

NM_001711.6(BGN):c.65G>C (p.Arg22Thr)

Gene: BGN (biglycan; plus strand). Cytogenetic location: Xq28.
Variant type: single nucleotide variant.
Coding change: c.65G>C on transcript NM_001711.6 (MANE Select); coding-DNA position 65, G replaced by C.
Protein change: p.Arg22Thr; replaces arginine 22 with threonine.
Molecular consequence: missense variant.
Genome position (GRCh38, 1-based): chrX:153,504,696, G>C. VCF-style: chrX-153504696-G-C. GRCh37 (hg19) VCF-style: chrX-152770154-G-C.
Other names: short protein forms R22T.
Identifiers: ClinVar variation 3000651 (VCV003000651.3), dbSNP rs2089785733, ClinGen allele CA415067783.

ClinVar aggregate classification (germline): Uncertain significance (1 of 4 stars; one submission).

Allele frequency attached by ClinVar (database versions not stated): gnomAD 0.00001; TOPMed 0.00001.

Submission:

Labcorp Genetics (formerly Invitae), Labcorp
Classification: Uncertain significance. Last evaluated: 2024-01-18. Review status: criteria provided, single submitter. Criteria: Invitae Variant Classification Sherloc (09022015). Collection method: clinical testing. Allele origin: germline.
Comment: This sequence change replaces arginine, which is basic and polar, with threonine, which is neutral and polar, at codon 22 of the BGN protein (p.Arg22Thr). This variant is not present in population databases (gnomAD no frequency). This variant has not been reported in the literature in individuals affected with BGN-related conditions. An algorithm developed to predict the effect of missense changes on protein structure and function (PolyPhen-2) suggests that this variant is likely to be tolerated. In summary, the available evidence is currently insufficient to determine the role of this variant in disease. Therefore, it has been classified as a Variant of Uncertain Significance.